The following is an entry in ClinVar:

NM_001103.4(ACTN2):c.1444C>T (p.Arg482Trp)

Gene: ACTN2 (actinin alpha 2; plus strand). Cytogenetic location: 1q43.
Variant type: single nucleotide variant.
Coding change: c.1444C>T on transcript NM_001103.4 (MANE Select); coding-DNA position 1444, C replaced by T.
Protein change: p.Arg482Trp; replaces arginine 482 with tryptophan.
Molecular consequence: missense variant.
Genome position (GRCh38, 1-based): chr1:236,747,704, C>T. VCF-style: chr1-236747704-C-T. GRCh37 (hg19) VCF-style: chr1-236911004-C-T.
Other names: p.Arg482Trp; c.1444C>T, p.Arg482Trp (NM_001278343.2); c.820C>T, p.Arg274Trp (NM_001278344.2); short protein forms R482W, R274W.
Identifiers: ClinVar variation 191595 (VCV000191595.23), dbSNP rs199604590, ClinGen allele CA237015.

ClinVar aggregate classification (germline): Conflicting classifications of pathogenicity. Review status: criteria provided, conflicting classifications (1 of 4 stars). 12 submissions from 12 submitters: Uncertain significance (5); Likely benign (2). 5 of the submissions do not count toward it. Last evaluated 2026-01-26.

Conditions:
Cardiovascular phenotype. Identifiers: MedGen CN230736.
Dilated cardiomyopathy 1AA (CMD1AA). Also called: CARDIOMYOPATHY, DILATED, 1AA, WITH OR WITHOUT LEFT VENTRICULAR NONCOMPACTION; CARDIOMYOPATHY, FAMILIAL HYPERTROPHIC, 23, WITH OR WITHOUT LEFT VENTRICULAR NONCOMPACTION; Cardiomyopathy, dilated, 1AA, with or without LVNC. Identifiers: Orphanet 154, MedGen C2677338, MONDO:0012808, OMIM 612158.
Primary familial hypertrophic cardiomyopathy (HCM). Identifiers: Orphanet 99739, MedGen C0949658, MeSH D024741, MONDO:0024573. Inheritance: Various modes of inheritance.

Allele frequency attached by ClinVar (database versions not stated): TOPMed 0.00003; ExAC 0.00007.

Submissions (12):

Labcorp Genetics (formerly Invitae), Labcorp
Classification: Likely benign for Primary familial hypertrophic cardiomyopathy; Dilated cardiomyopathy 1AA. Last evaluated: 2026-01-26. Review status: criteria provided, single submitter. Criteria: Invitae Variant Classification Sherloc (09022015). Collection method: clinical testing. Allele origin: germline.

Ambry Genetics
Classification: Uncertain significance for Cardiovascular phenotype. Last evaluated: 2025-04-30. Review status: criteria provided, single submitter. Criteria: Ambry Variant Classification Scheme 2023. Collection method: clinical testing. Allele origin: germline.
Comment: The p.R482W variant (also known as c.1444C>T), located in coding exon 13 of the ACTN2 gene, results from a C to T substitution at nucleotide position 1444. The arginine at codon 482 is replaced by tryptophan, an amino acid with dissimilar properties. This amino acid position is highly conserved in available vertebrate species. In addition, this alteration is predicted to be deleterious by in silico analysis. Based on the available evidence, the clinical significance of this variant remains unclear.

Blueprint Genetics
Classification: Likely benign. Last evaluated: 2023-09-26. Review status: criteria provided, single submitter. Criteria: ACMG Guidelines, 2015. Collection method: clinical testing. Allele origin: germline.

Revvity Omics, Revvity
Classification: Uncertain significance. Last evaluated: 2023-06-16. Review status: criteria provided, single submitter. Criteria: ACMG Guidelines, 2015. Collection method: clinical testing. Allele origin: germline.

Mayo Clinic Laboratories, Mayo Clinic
Classification: Uncertain significance. Last evaluated: 2021-05-20. Review status: criteria provided, single submitter. Criteria: ACMG Guidelines, 2015. Collection method: clinical testing. Allele origin: germline.

GeneDx
Classification: Uncertain significance. Last evaluated: 2018-02-08. Review status: criteria provided, single submitter. Criteria: GeneDx Variant Classification (06012015). Collection method: clinical testing. Allele origin: germline. Affected: yes.
Comment: A variant of uncertain significance has been identified in the ACTN2 gene. The R482W variant was reported as a variant of uncertain significance in one individual from a cohort of individuals not selected for cardiomyopathy, arrhythmia, or family history of sudden cardiac death, who underwent exome sequencing (Ng et al., 2013). This variant is observed in 9/66,280 (0.01%) alleles from individuals of European (Non-Finnish) ancestry in the Exome Aggregation Consortium (ExAC) dataset (Lek et al., 2016; Exome Variant Server). Nevertheless, the R482W variant is a non-conservative amino acid substitution, which is likely to impact secondary protein structure as these residues differ in polarity, charge, size and/or other properties. This substitution occurs at a position that is conserved across species and in silico analysis predicts this variant is probably damaging to the protein structure/function.

Biesecker Lab/Clinical Genomics Section, National Institutes of Health
Classification: Uncertain significance. Last evaluated: 2013-06-24. Review status: criteria provided, single submitter. Criteria: Ng et al. (Circ Cardiovasc Genet. 2013). Collection method: research. Allele origin: unknown. Observed: 1 variant allele. Study: ClinSeq.
Comment: The study set was not selected for affection status in relation to any cancer. Pathogenicity categories were based on literature curation. See Pubmed ID:23861362 for details.

Medical sequencing

Clinical Genetics DNA and cytogenetics Diagnostics Lab, Erasmus MC, Erasmus Medical Center
Classification: Uncertain significance. Review status: no assertion criteria provided. Collection method: clinical testing. Allele origin: germline. Affected: yes. Study: VKGL Data-share Consensus. Not counted in ClinVar's aggregate classification.

Clinical Genetics, Academic Medical Center
Classification: Uncertain significance. Review status: no assertion criteria provided. Collection method: clinical testing. Allele origin: germline. Affected: yes. Study: VKGL Data-share Consensus. Not counted in ClinVar's aggregate classification.

Diagnostic Laboratory, Department of Genetics, University Medical Center Groningen
Classification: Uncertain significance for Dilated cardiomyopathy 1AA. Review status: no assertion criteria provided. Collection method: clinical testing. Allele origin: germline. Affected: yes. Study: VKGL Data-share Consensus. Not counted in ClinVar's aggregate classification.

Genome Diagnostics Laboratory, University Medical Center Utrecht
Classification: Uncertain significance. Review status: no assertion criteria provided. Collection method: clinical testing. Allele origin: germline. Affected: yes. Study: VKGL Data-share Consensus. Not counted in ClinVar's aggregate classification.

Joint Genome Diagnostic Labs from Nijmegen and Maastricht, Radboudumc and MUMC+
Classification: Uncertain significance. Review status: no assertion criteria provided. Collection method: clinical testing. Allele origin: germline. Affected: yes. Study: VKGL Data-share Consensus. Not counted in ClinVar's aggregate classification.